The following is an entry in ClinVar:

ClinVar aggregate classification (germline): Uncertain significance. Review status: criteria provided, multiple submitters, no conflicts (2 of 4 stars). 2 submissions from 2 submitters: Uncertain significance (2). Last evaluated 2024-02-17.

Conditions:
Inborn genetic diseases. Identifiers: MedGen C0950123, MeSH D030342.
Sphingolipid activator protein 1 deficiency. Also called: Saposin B Deficiency; METACHROMATIC LEUKODYSTROPHY DUE TO CEREBROSIDE SULFATASE ACTIVATOR DEFICIENCY; Metachromatic leukodystrophy due to saposin B deficiency. Identifiers: Orphanet 512, MedGen C0268262, MONDO:0009590, OMIM 249900.

Allele frequency attached by ClinVar (database versions not stated): gnomAD 0.00001; TOPMed 0.00005.

Submissions (2):

Labcorp Genetics (formerly Invitae), Labcorp
Classification: Uncertain significance for Sphingolipid activator protein 1 deficiency. Last evaluated: 2024-02-17. Review status: criteria provided, single submitter. Criteria: Invitae Variant Classification Sherloc (09022015). Collection method: clinical testing. Allele origin: germline.
Comment: This sequence change replaces alanine, which is neutral and non-polar, with valine, which is neutral and non-polar, at codon 13 of the PSAP protein (p.Ala13Val). This variant is not present in population databases (gnomAD no frequency). This variant has not been reported in the literature in individuals affected with PSAP-related conditions. ClinVar contains an entry for this variant (Variation ID: 1434333). Algorithms developed to predict the effect of missense changes on protein structure and function output the following: SIFT: "Not Available"; PolyPhen-2: "Benign"; Align-GVGD: "Not Available". The valine amino acid residue is found in multiple mammalian species, which suggests that this missense change does not adversely affect protein function. In summary, the available evidence is currently insufficient to determine the role of this variant in disease. Therefore, it has been classified as a Variant of Uncertain Significance.

Ambry Genetics
Classification: Uncertain significance for Inborn genetic diseases. Last evaluated: 2024-02-13. Review status: criteria provided, single submitter. Criteria: Ambry Variant Classification Scheme 2023. Collection method: clinical testing. Allele origin: germline.

NM_002778.4(PSAP):c.38C>T (p.Ala13Val)

Gene: PSAP (prosaposin; minus strand). Cytogenetic location: 10q22.1.
Variant type: single nucleotide variant.
Coding change: c.38C>T on transcript NM_002778.4 (MANE Select); coding-DNA position 38, C replaced by T.
Protein change: p.Ala13Val; replaces alanine 13 with valine.
Molecular consequence: missense variant.
Genome position (GRCh38, 1-based): chr10:71,851,184, G>A on the plus strand (C>T on the coding strand, the complement: PSAP is on the minus strand). VCF-style: chr10-71851184-G-A. GRCh37 (hg19) VCF-style: chr10-73610941-G-A.
Other names: c.38C>T, p.Ala13Val (NM_001042465.3, NM_001042466.3); c.38C>T (NM_002778.2); short protein forms A13V.
Identifiers: ClinVar variation 1434333 (VCV001434333.6), dbSNP rs1022105024, ClinGen allele CA209489398.